The following is an entry in ClinVar:

ClinVar aggregate classification (germline): Uncertain significance (1 of 4 stars; one submission).

Submission:

Ambry Genetics
Classification: Uncertain significance. Last evaluated: 2025-08-11. Review status: criteria provided, single submitter. Criteria: Ambry Variant Classification Scheme 2023. Collection method: clinical testing. Allele origin: germline.
Comment: The p.E386D variant (also known as c.1158A>T), located in coding exon 10 of the GEN1 gene, results from an A to T substitution at nucleotide position 1158. The glutamic acid at codon 386 is replaced by aspartic acid, an amino acid with highly similar properties. This amino acid position is conserved. In addition, this alteration is predicted to be tolerated by in silico analysis. Based on the available evidence, the clinical significance of this variant remains unclear.

NM_001130009.3(GEN1):c.1158A>T (p.Glu386Asp)

Gene: GEN1 (GEN1 Holliday junction 5' flap endonuclease; plus strand). Cytogenetic location: 2p24.2.
Variant type: single nucleotide variant.
Coding change: c.1158A>T on transcript NM_001130009.3 (MANE Select); coding-DNA position 1158, A replaced by T.
Protein change: p.Glu386Asp; replaces glutamic acid 386 with aspartic acid.
Molecular consequence: missense variant.
Genome position (GRCh38, 1-based): chr2:17,774,357, A>T. VCF-style: chr2-17774357-A-T. GRCh37 (hg19) VCF-style: chr2-17955624-A-T.
Other names: c.1158A>T, p.Glu386Asp (NM_182625.5); short protein forms E386D.
Identifiers: ClinVar variation 4263075 (VCV004263075.1).
Genomic context (GRCh38, chr2:17,774,357, plus strand): 5'-GCCCAATCACTATGCATGTGAGAAATTGCTGGTACTTTTGACCCATTATGACATGATAGA[A>T]AGAAAGCTTGGTAGCAGAAACTCTAATCAACTACAGCCAATTCGGTAATGTAAAGAACTG-3'
Protein context (NP_001123481.3, residues 376-396): LVLLTHYDMI[Glu386Asp]RKLGSRNSNQ